The following is an entry in ClinVar:

ClinVar aggregate classification (germline): Uncertain significance. Review status: criteria provided, multiple submitters, no conflicts (2 of 4 stars). 2 submissions from 2 submitters: Uncertain significance (2). Last evaluated 2022-04-09.

Allele frequency attached by ClinVar (database versions not stated): gnomAD exomes below 0.00001 and 0.00001.
gnomAD v4.1: 1 of 1,551,520 alleles (0.000064%); highest among the groups gnomAD compares: East Asian, 0.0024%; no homozygotes.

Submissions (2):

Labcorp Genetics (formerly Invitae), Labcorp
Classification: Uncertain significance. Last evaluated: 2022-04-09. Review status: criteria provided, single submitter. Criteria: Invitae Variant Classification Sherloc (09022015). Collection method: clinical testing. Allele origin: germline.
Comment: In summary, the available evidence is currently insufficient to determine the role of this variant in disease. Therefore, it has been classified as a Variant of Uncertain Significance. This variant has not been reported in the literature in individuals affected with CPLANE1-related conditions. Advanced modeling of protein sequence and biophysical properties (such as structural, functional, and spatial information, amino acid conservation, physicochemical variation, residue mobility, and thermodynamic stability) performed at Invitae indicates that this missense variant is not expected to disrupt CPLANE1 protein function. ClinVar contains an entry for this variant (Variation ID: 445950). This variant is present in population databases (no rsID available, gnomAD 0.02%). This sequence change replaces aspartic acid, which is acidic and polar, with glutamic acid, which is acidic and polar, at codon 427 of the CPLANE1 protein (p.Asp427Glu).

Center for Pediatric Genomic Medicine, Children's Mercy Hospital and Clinics
Classification: Uncertain significance. Last evaluated: 2017-06-02. Review status: criteria provided, single submitter. Criteria: ACMG Guidelines, 2015. Collection method: clinical testing. Allele origin: germline.

NM_001384732.1(CPLANE1):c.1281T>A (p.Asp427Glu)

Gene: CPLANE1 (ciliogenesis and planar polarity effector complex subunit 1; minus strand). Cytogenetic location: 5p13.2.
Variant type: single nucleotide variant.
Coding change: c.1281T>A on transcript NM_001384732.1 (MANE Select); coding-DNA position 1281, T replaced by A.
Protein change: p.Asp427Glu; replaces aspartic acid 427 with glutamic acid.
Molecular consequence: missense variant.
Genome position (GRCh38, 1-based): chr5:37,227,658, A>T on the plus strand (T>A on the coding strand, the complement: CPLANE1 is on the minus strand). VCF-style: chr5-37227658-A-T. GRCh37 (hg19) VCF-style: chr5-37227760-A-T.
Other names: c.1281T>A, p.Asp427Glu (NM_023073.4); short protein forms D427E.
Identifiers: ClinVar variation 445950 (VCV000445950.6), dbSNP rs1416115425, ClinGen allele CA359504774.